The following is an entry in ClinVar:

ClinVar aggregate classification (germline): Likely pathogenic. Review status: criteria provided, multiple submitters, no conflicts (2 of 4 stars). 2 submissions from 2 submitters: Likely pathogenic (2). Last evaluated 2018-02-23.

Conditions:
Familial X-linked hypophosphatemic vitamin D refractory rickets (XLHRD). Also called: Hypophosphatemia, vitamin D-resistant rickets; Vitamin D-resistant rickets, X-linked; Hypophosphatemic Rickets, X-Linked Dominant; X-Linked Hypophosphatemia; HYPOPHOSPHATEMIC VITAMIN D-RESISTANT RICKETS. Identifiers: Orphanet 89936, MedGen C0733682, MONDO:0010619, OMIM 307800.

Submissions (2):

Geisinger Autism and Developmental Medicine Institute, Geisinger Health System
Classification: Likely pathogenic for Familial X-linked hypophosphatemic vitamin D refractory rickets. Last evaluated: 2018-02-23. Review status: criteria provided, single submitter. Criteria: ACMG Guidelines, 2015. Collection method: provider interpretation, clinical testing. Allele origin: de novo. Observed: 1 variant allele.
Comment: The variant is absent from the gnomAD database, and it was found to be de novo (with maternity and paternity confirmed). Computational models predict it to be deleterious. Other missense variants involving this codon (H580P) and nearby codons have been reported in the Human Gene Mutation Database.

GeneDx
Classification: Likely pathogenic. Last evaluated: 2016-03-03. Review status: criteria provided, single submitter. Criteria: GeneDx Variant Classification (06012015). Collection method: clinical testing. Allele origin: germline. Affected: yes.
Comment: The H580R variant in the PHEX gene has not been reported previously as a pathogenic variant, nor as a benign variant, to our knowledge. However, a missense variant at this same codon (H580P) as well as missense variants in neighboring codons (G579R, G579V, and H584P) have been reported in the Human Gene Mutation Database in association with hypophosphatemic rickets (Stenson et al., 2014), supporting the functional importance of this region of the protein. The H580R variant was not observed in approximately 6500 individuals of European and African American ancestry in the NHLBI Exome Sequencing Project, indicating it is not a common benign variant in these populations. The H580R variant is a conservative amino acid substitution, which occurs at a position that is conserved across species. In silico analysis predicts this variant is probably damaging to the protein structure/function. The H580R variant is a strong candidate for a pathogenic variant, however the possibility it may be a rare benign variant cannot be excluded.

NM_000444.6(PHEX):c.1739A>G (p.His580Arg)

Genes: PHEX (phosphate regulating endopeptidase X-linked; plus strand), PTCHD1-AS (PTCHD1 and PHEX antisense RNA; minus strand). Cytogenetic location: Xp22.11.
Variant type: single nucleotide variant.
Coding change: c.1739A>G on transcript NM_000444.6 (MANE Select); coding-DNA position 1739, A replaced by G.
Protein change: p.His580Arg; replaces histidine 580 with arginine.
Molecular consequence: missense variant.
Genome position (GRCh38, 1-based): chrX:22,219,074, A>G. VCF-style: chrX-22219074-A-G. GRCh37 (hg19) VCF-style: chrX-22237191-A-G.
Other names: c.1739A>G, p.His580Arg (NM_001282754.2); short protein forms H580R.
Identifiers: ClinVar variation 383966 (VCV000383966.4), dbSNP rs1057521800, ClinGen allele CA16608818.